The following is an entry in ClinVar:

NM_001142800.2(EYS):c.2159T>A (p.Leu720Ter)

Gene: EYS (EGF-like photoreceptor maintenance factor; minus strand). Cytogenetic location: 6q12.
Variant type: single nucleotide variant.
Coding change: c.2159T>A on transcript NM_001142800.2 (MANE Select); coding-DNA position 2159, T replaced by A.
Protein change: p.Leu720Ter; replaces leucine 720 with a stop codon.
Molecular consequence: nonsense.
Genome position (GRCh38, 1-based): chr6:64,997,682, A>T on the plus strand (T>A on the coding strand, the complement: EYS is on the minus strand). VCF-style: chr6-64997682-A-T. GRCh37 (hg19) VCF-style: chr6-65707575-A-T.
Other names: c.2159T>A, p.Leu720Ter (NM_001292009.2); short protein forms L720*.
Identifiers: ClinVar variation 2022253 (VCV002022253.4), dbSNP rs531640725, ClinGen allele CA140390411.

ClinVar aggregate classification (germline): Pathogenic (1 of 4 stars; one submission).

Allele frequency attached by ClinVar (database versions not stated): gnomAD 0.00001; 1000 Genomes Project 0.00020; 1000 Genomes Project 30x 0.00031.
gnomAD v4.1: 1 of 1,551,020 alleles (0.000064%); highest among the groups gnomAD compares: Admixed American, 0.002%; no homozygotes.

Submission:

Labcorp Genetics (formerly Invitae), Labcorp
Classification: Pathogenic. Last evaluated: 2023-06-20. Review status: criteria provided, single submitter. Criteria: Invitae Variant Classification Sherloc (09022015). Collection method: clinical testing. Allele origin: germline.
Comment: This sequence change creates a premature translational stop signal (p.Leu720*) in the EYS gene. It is expected to result in an absent or disrupted protein product. Loss-of-function variants in EYS are known to be pathogenic (PMID: 18836446, 20333770). This variant is not present in population databases (gnomAD no frequency). This variant has not been reported in the literature in individuals affected with EYS-related conditions. ClinVar contains an entry for this variant (Variation ID: 2022253). For these reasons, this variant has been classified as Pathogenic.

Literature cited by the submitters: PubMed 18836446; PubMed 20333770.